The following is an entry in ClinVar:

NM_001368809.2(AMPD2):c.353+3G>A

Gene: AMPD2 (adenosine monophosphate deaminase 2; plus strand). Cytogenetic location: 1p13.3.
Variant type: single nucleotide variant.
Coding change: c.353+3G>A on transcript NM_001368809.2 (MANE Select); 3 bases into the intron after coding-DNA position 353, G replaced by A.
Molecular consequence: intron variant.
Genome position (GRCh38, 1-based): chr1:109,625,795, G>A. VCF-style: chr1-109625795-G-A. GRCh37 (hg19) VCF-style: chr1-110168417-G-A.
Other names: c.272+3G>A (NM_139156.4); c.290+3G>A (NM_001308170.1); c.353+3G>A (NM_004037.9); c.161+3G>A (NM_001257361.2).
Identifiers: ClinVar variation 2157828 (VCV002157828.5), dbSNP rs373586469, ClinGen allele CA992758.

ClinVar aggregate classification (germline): Uncertain significance. Review status: criteria provided, multiple submitters, no conflicts (2 of 4 stars). 2 submissions from 2 submitters: Uncertain significance (2). Last evaluated 2026-06-30.

Conditions:
Hereditary spastic paraplegia 63. Also called: Spastic paraplegia 63, autosomal recessive. Identifiers: Orphanet 401805, MedGen C3810295, MONDO:0014305, OMIM 615686.
Pontocerebellar hypoplasia type 9. Identifiers: Orphanet 369920, MedGen C4014354, MONDO:0014351, OMIM 615809.

Allele frequency attached by ClinVar (database versions not stated): ESP Exome Variant Server 0.00008; gnomAD exomes below 0.00001; ExAC 0.00001.
gnomAD v4.1: 2 of 1,613,970 alleles (0.00012%); highest among the groups gnomAD compares: Non-Finnish European, 0.00017%; no homozygotes.

Submissions (2):

Women's Health and Genetics/Laboratory Corporation of America, LabCorp
Classification: Uncertain significance. Last evaluated: 2026-06-30. Review status: criteria provided, single submitter. Criteria: LabCorp Variant Classification Summary - May 2015. Collection method: clinical testing. Allele origin: germline.

Labcorp Genetics (formerly Invitae), Labcorp
Classification: Uncertain significance for Pontocerebellar hypoplasia type 9; Hereditary spastic paraplegia 63. Last evaluated: 2025-10-01. Review status: criteria provided, single submitter. Criteria: Invitae Variant Classification Sherloc (09022015). Collection method: clinical testing. Allele origin: germline.
Comment: This sequence change falls in intron 4 of the AMPD2 gene. It does not directly change the encoded amino acid sequence of the AMPD2 protein. It affects a nucleotide within the consensus splice site. This variant is present in population databases (rs373586469, gnomAD no frequency). This variant has not been reported in the literature in individuals affected with AMPD2-related conditions. ClinVar contains an entry for this variant (Variation ID: 2157828). Variants that disrupt the consensus splice site are a relatively common cause of aberrant splicing (PMID: 17576681, 9536098). Algorithms developed to predict the effect of sequence changes on RNA splicing suggest that this variant is not likely to affect RNA splicing. In summary, the available evidence is currently insufficient to determine the role of this variant in disease. Therefore, it has been classified as a Variant of Uncertain Significance.

Literature cited by the submitters: PubMed 17576681 (cited by Labcorp Genetics (formerly Invitae), Labcorp); PubMed 9536098 (cited by Labcorp Genetics (formerly Invitae), Labcorp).